The following is an entry in ClinVar:

NM_001128840.3(CACNA1D):c.6380A>T (p.Asp2127Val)

Gene: CACNA1D (calcium voltage-gated channel subunit alpha1 D; plus strand). Cytogenetic location: 3p21.1.
Variant type: single nucleotide variant.
Coding change: c.6380A>T on transcript NM_001128840.3 (MANE Select); coding-DNA position 6380, A replaced by T.
Protein change: p.Asp2127Val; replaces aspartic acid 2127 with valine.
Molecular consequence: missense variant.
Genome position (GRCh38, 1-based): chr3:53,811,300, A>T. VCF-style: chr3-53811300-A-T. GRCh37 (hg19) VCF-style: chr3-53845327-A-T.
Other names: c.6440A>T, p.Asp2147Val (NM_000720.4); c.6308A>T, p.Asp2103Val (NM_001128839.3); short protein forms D2127V, D2103V, D2147V.
Identifiers: ClinVar variation 3648030 (VCV003648030.2).
Genomic context (GRCh38, chr3:53,811,300, plus strand): 5'-TTAATGGGAACGTGCGTCCCCGAGCCAACGGGGATGTGGGCCCCCTCTCACACCGGCAGG[A>T]CTATGAGCTACAGGACTTTGGTCCTGGCTACAGCGACGAAGAGCCAGACCCTGGGAGGGA-3'
Protein context (NP_001122312.1, residues 2117-2137): GDVGPLSHRQ[Asp2127Val]YELQDFGPGY

ClinVar aggregate classification (germline): Uncertain significance (1 of 4 stars; one submission).

gnomAD v4.1: 2 of 1,613,672 alleles (0.00012%); highest among the groups gnomAD compares: Non-Finnish European, 0.00017%; no homozygotes.

Submission:

Labcorp Genetics (formerly Invitae), Labcorp
Classification: Uncertain significance. Last evaluated: 2024-03-28. Review status: criteria provided, single submitter. Criteria: Invitae Variant Classification Sherloc (09022015). Collection method: clinical testing. Allele origin: germline.
Comment: This sequence change replaces aspartic acid, which is acidic and polar, with valine, which is neutral and non-polar, at codon 2147 of the CACNA1D protein (p.Asp2147Val). This variant is present in population databases (no rsID available, gnomAD 0.0009%). This variant has not been reported in the literature in individuals affected with CACNA1D-related conditions. An algorithm developed to predict the effect of missense changes on protein structure and function (PolyPhen-2) suggests that this variant is likely to be tolerated. In summary, the available evidence is currently insufficient to determine the role of this variant in disease. Therefore, it has been classified as a Variant of Uncertain Significance.